The following is an entry in ClinVar:

ClinVar aggregate classification (germline): Uncertain significance (1 of 4 stars; one submission).

Conditions:
Episodic ataxia type 1 (EA1). Also called: Episodic ataxia/myokymia syndrome; MYOKYMIA WITH PERIODIC ATAXIA; PAROXYSMAL ATAXIA WITH NEUROMYOTONIA, HEREDITARY; ATAXIA, EPISODIC, WITH MYOKYMIA. Identifiers: Orphanet 37612, Orphanet 972, MedGen C1719788, MONDO:0008047, OMIM 160120.

Allele frequency attached by ClinVar (database versions not stated): gnomAD exomes below 0.00001.

Submission:

Labcorp Genetics (formerly Invitae), Labcorp
Classification: Uncertain significance for Episodic ataxia type 1. Last evaluated: 2026-02-03. Review status: criteria provided, single submitter. Criteria: Invitae Variant Classification Sherloc (09022015). Collection method: clinical testing. Allele origin: germline.
Comment: This sequence change replaces alanine, which is neutral and non-polar, with valine, which is neutral and non-polar, at codon 12 of the KCNA1 protein (p.Ala12Val). This variant is not present in population databases (gnomAD no frequency). This variant has not been reported in the literature in individuals affected with KCNA1-related conditions. ClinVar contains an entry for this variant (Variation ID: 1404392). Invitae Evidence Modeling of protein sequence and biophysical properties (such as structural, functional, and spatial information, amino acid conservation, physicochemical variation, residue mobility, and thermodynamic stability) indicates that this missense variant is not expected to disrupt KCNA1 protein function with a negative predictive value of 80%. In summary, the available evidence is currently insufficient to determine the role of this variant in disease. Therefore, it has been classified as a Variant of Uncertain Significance.

NM_000217.3(KCNA1):c.35C>T (p.Ala12Val)

Genes: KCNA1 (potassium voltage-gated channel subfamily A member 1; plus strand), LOC130007218 (ATAC-STARR-seq lymphoblastoid silent region 4155; plus strand). Cytogenetic location: 12p13.32.
Variant type: single nucleotide variant.
Coding change: c.35C>T on transcript NM_000217.3 (MANE Select); coding-DNA position 35, C replaced by T.
Protein change: p.Ala12Val; replaces alanine 12 with valine.
Molecular consequence: missense variant.
Genome position (GRCh38, 1-based): chr12:4,911,413, C>T. VCF-style: chr12-4911413-C-T. GRCh37 (hg19) VCF-style: chr12-5020579-C-T.
Other names: short protein forms A12V.
Identifiers: ClinVar variation 1404392 (VCV001404392.6), dbSNP rs2137672654, ClinGen allele CA383453659.